The following is an entry in ClinVar:

NM_001267550.2(TTN):c.96905-1G>A

Genes: TTN-AS1 (TTN antisense RNA 1; plus strand), TTN (titin; minus strand), LOC126806421 (CDK7 strongly-dependent group 2 enhancer GRCh37_chr2:179407630-179408829; plus strand). Cytogenetic location: 2q31.2.
Variant type: single nucleotide variant.
Coding change: c.96905-1G>A on transcript NM_001267550.2 (MANE Select); the canonical splice acceptor site of the intron before coding-DNA position 96905, G replaced by A.
Molecular consequence: splice acceptor variant.
Genome position (GRCh38, 1-based): chr2:178,542,950, C>T on the plus strand (G>A on the coding strand, the complement: TTN is on the minus strand). VCF-style: chr2-178542950-C-T. GRCh37 (hg19) VCF-style: chr2-179407677-C-T.
Other names: c.69710-1G>A (NM_003319.4); c.70286-1G>A (NM_133437.4); c.70085-1G>A (NM_133432.3); c.89201-1G>A (NM_133378.4); c.91982-1G>A (NM_001256850.1).
Identifiers: ClinVar variation 2954258 (VCV002954258.4), dbSNP rs2468910291, ClinGen allele CA349444461.

ClinVar aggregate classification (germline): Conflicting classifications of pathogenicity. Review status: criteria provided, conflicting classifications (1 of 4 stars). 2 submissions from 2 submitters: Likely pathogenic (1); Uncertain significance (1). Last evaluated 2025-01-06.

Conditions:
Cardiovascular phenotype. Identifiers: MedGen CN230736.
Autosomal recessive limb-girdle muscular dystrophy type 2J (LGMDR10). Also called: Limb-girdle muscular dystrophy, type 2J; MUSCULAR DYSTROPHY, LIMB-GIRDLE, AUTOSOMAL RECESSIVE 10. Identifiers: Orphanet 140922, MedGen C1837342, MONDO:0012127, OMIM 608807.
Dilated cardiomyopathy 1G (CMD1G). Identifiers: Orphanet 154, MedGen C1858763, MONDO:0011400, OMIM 604145.

Submissions (2):

Ambry Genetics
Classification: Uncertain significance for Cardiovascular phenotype. Last evaluated: 2025-01-06. Review status: criteria provided, single submitter. Criteria: Ambry Variant Classification Scheme 2023. Collection method: clinical testing. Allele origin: germline.
Comment: The c.69710-1G>A intronic variant results from a G to A substitution one nucleotide upstream from coding exon 175 of the TTN gene. This exon is located in the A-band region of the N2-B isoform of the titin protein and is constitutively expressed in TTN transcripts (percent spliced in or PSI 100%). Alterations that disrupt the canonical splice site are expected to result in aberrant splicing. In silico splice site analysis predicts that this alteration will weaken the native splice acceptor site. The resulting transcript is predicted to be in-frame and is not expected to trigger nonsense-mediated mRNA decay. The exact functional effect of the missing amino acids is unknown. This nucleotide position is well conserved in available vertebrate species. Based on the available evidence, the clinical significance of this variant remains unclear.

Labcorp Genetics (formerly Invitae), Labcorp
Classification: Likely pathogenic for Dilated cardiomyopathy 1G; Autosomal recessive limb-girdle muscular dystrophy type 2J. Last evaluated: 2023-11-27. Review status: criteria provided, single submitter. Criteria: Invitae Variant Classification Sherloc (09022015). Collection method: clinical testing. Allele origin: germline.
Comment: This sequence change affects an acceptor splice site in intron 347 of the TTN gene. It is expected to disrupt RNA splicing and likely results in a truncated or disrupted TTN protein. This variant is not present in population databases (gnomAD no frequency). This variant has not been reported in the literature in individuals affected with TTN-related conditions. Algorithms developed to predict the effect of sequence changes on RNA splicing suggest that this variant may disrupt the consensus splice site. This variant is located in the A band of TTN (PMID: 25589632). Truncating variants in this region are significantly overrepresented in patients affected with dilated cardiomyopathy (PMID: 25589632). Truncating variants in this region have also been reported in individuals affected with autosomal recessive centronuclear myopathy (PMID: 23975875). In summary, the currently available evidence indicates that the variant is pathogenic, but additional data are needed to prove that conclusively. Therefore, this variant has been classified as Likely Pathogenic.

Literature cited by the submitters: PubMed 25589632 (cited by Labcorp Genetics (formerly Invitae), Labcorp); PubMed 23975875 (cited by Labcorp Genetics (formerly Invitae), Labcorp).